The following is an entry in ClinVar:

ClinVar aggregate classification (germline): Benign/Likely benign. Review status: criteria provided, multiple submitters, no conflicts (2 of 4 stars). 3 submissions from 3 submitters: Benign (2); Likely benign (1). Last evaluated 2024-09-23.

Allele frequency attached by ClinVar (database versions not stated): TOPMed 0.00901; 1000 Genomes Project 0.00919; 1000 Genomes Project 30x 0.00953.

Submissions (3):

Blueprint Genetics
Classification: Likely benign. Last evaluated: 2024-09-23. Review status: criteria provided, single submitter. Criteria: ACMG Guidelines, 2015. Collection method: clinical testing. Allele origin: germline.

Athena Diagnostics
Classification: Benign. Last evaluated: 2019-04-26. Review status: criteria provided, single submitter. Criteria: Athena Diagnostics Criteria. Collection method: clinical testing. Allele origin: germline.

GeneDx
Classification: Benign. Last evaluated: 2013-01-16. Review status: criteria provided, single submitter. Criteria: GeneDx Variant Classification (06012015). Collection method: clinical testing. Allele origin: germline. Affected: yes.
Comment: This variant is considered likely benign or benign based on one or more of the following criteria: it is a conservative change, it occurs at a poorly conserved position in the protein, it is predicted to be benign by multiple in silico algorithms, and/or has population frequency not consistent with disease.

NM_198904.4(GABRG2):c.631+1283G>A

Gene: GABRG2 (gamma-aminobutyric acid type A receptor subunit gamma2; plus strand). Cytogenetic location: 5q34.
Variant type: single nucleotide variant.
Coding change: c.631+1283G>A on transcript NM_198904.4 (MANE Select); 1283 bases into the intron after coding-DNA position 631, G replaced by A.
Molecular consequence: intron variant. On other transcripts: synonymous variant (2).
Genome position (GRCh38, 1-based): chr5:162,102,600, G>A. VCF-style: chr5-162102600-G-A. GRCh37 (hg19) VCF-style: chr5-161529606-G-A.
Other names: p.S226S:TCG>TCA; c.678G>A, p.Ser226= (NM_001375343.1, NM_198903.2); c.346+1283G>A (NM_001375349.1); c.631+1283G>A (NM_001375344.1, NM_001375340.1, NM_001375341.1 and 2 more transcripts); c.211+1283G>A (NM_001375350.1, NM_001375348.1); c.622+1283G>A (NM_001375339.1); c.565+1283G>A (NM_001375346.1, NM_001375345.1); c.544+1283G>A (NM_001375347.1).
Identifiers: ClinVar variation 137423 (VCV000137423.3), dbSNP rs143065876, ClinGen allele CA290994.